The following is an entry in ClinVar:

NM_003036.4(SKI):c.1394C>T (p.Pro465Leu)

Gene: SKI (SKI proto-oncogene; plus strand). Cytogenetic location: 1p36.32.
Variant type: single nucleotide variant.
Coding change: c.1394C>T on transcript NM_003036.4 (MANE Select); coding-DNA position 1394, C replaced by T.
Protein change: p.Pro465Leu; replaces proline 465 with leucine.
Molecular consequence: missense variant.
Genome position (GRCh38, 1-based): chr1:2,304,022, C>T. VCF-style: chr1-2304022-C-T. GRCh37 (hg19) VCF-style: chr1-2235461-C-T.
Other names: short protein forms P465L.
Identifiers: ClinVar variation 2984013 (VCV002984013.3), dbSNP rs1640497245, ClinGen allele CA337956608.

ClinVar aggregate classification (germline): Uncertain significance (1 of 4 stars; one submission).

Conditions:
Shprintzen-Goldberg syndrome (SGS). Also called: SHPRINTZEN-GOLDBERG CRANIOSYNOSTOSIS SYNDROME; CRANIOSYNOSTOSIS WITH ARACHNODACTYLY AND ABDOMINAL HERNIAS; Marfanoid disorder with craniosynostosis type 1; Marfanoid craniosynostosis syndrome; Shprintzen-Goldberg marfanoid syndrome. Identifiers: Orphanet 2462, MedGen C1321551, MONDO:0008426, OMIM 182212.

Submission:

Labcorp Genetics (formerly Invitae), Labcorp
Classification: Uncertain significance for Shprintzen-Goldberg syndrome. Last evaluated: 2023-05-07. Review status: criteria provided, single submitter. Criteria: Invitae Variant Classification Sherloc (09022015). Collection method: clinical testing. Allele origin: germline.
Comment: In summary, the available evidence is currently insufficient to determine the role of this variant in disease. Therefore, it has been classified as a Variant of Uncertain Significance. Advanced modeling of protein sequence and biophysical properties (such as structural, functional, and spatial information, amino acid conservation, physicochemical variation, residue mobility, and thermodynamic stability) has been performed at Invitae for this missense variant, however the output from this modeling did not meet the statistical confidence thresholds required to predict the impact of this variant on SKI protein function. This variant has not been reported in the literature in individuals affected with SKI-related conditions. This variant is not present in population databases (gnomAD no frequency). This sequence change replaces proline, which is neutral and non-polar, with leucine, which is neutral and non-polar, at codon 465 of the SKI protein (p.Pro465Leu).